The following is an entry in ClinVar:

ClinVar aggregate classification (germline): Uncertain significance. Review status: criteria provided, multiple submitters, no conflicts (2 of 4 stars). 2 submissions from 2 submitters: Uncertain significance (2). Last evaluated 2025-09-15.

Conditions:
Fraser syndrome 2 (FRASRS2). Identifiers: MedGen C4540036, MONDO:0054738, OMIM 617666.

Allele frequency attached by ClinVar (database versions not stated): gnomAD exomes below 0.00001.
gnomAD v4.1: 2 of 1,614,140 alleles (0.00012%); highest among the groups gnomAD compares: Non-Finnish European, 0.00017%; no homozygotes.

Submissions (2):

Labcorp Genetics (formerly Invitae), Labcorp
Classification: Uncertain significance. Last evaluated: 2025-09-15. Review status: criteria provided, single submitter. Criteria: Invitae Variant Classification Sherloc (09022015). Collection method: clinical testing. Allele origin: germline.
Comment: This sequence change replaces valine, which is neutral and non-polar, with isoleucine, which is neutral and non-polar, at codon 1437 of the FREM2 protein (p.Val1437Ile). This variant is not present in population databases (gnomAD no frequency). This variant has not been reported in the literature in individuals affected with FREM2-related conditions. ClinVar contains an entry for this variant (Variation ID: 883420). Invitae Evidence Modeling of protein sequence and biophysical properties (such as structural, functional, and spatial information, amino acid conservation, physicochemical variation, residue mobility, and thermodynamic stability) indicates that this missense variant is expected to disrupt FREM2 protein function with a positive predictive value of 80%. In summary, the available evidence is currently insufficient to determine the role of this variant in disease. Therefore, it has been classified as a Variant of Uncertain Significance.

Illumina Laboratory Services, Illumina
Classification: Uncertain significance for Fraser syndrome 2. Last evaluated: 2017-04-27. Review status: criteria provided, single submitter. Criteria: ICSL Variant Classification Criteria 13 December 2019. Collection method: clinical testing. Allele origin: germline.

NM_207361.6(FREM2):c.4309G>A (p.Val1437Ile)

Gene: FREM2 (FRAS1 related extracellular matrix 2; plus strand). Cytogenetic location: 13q13.3.
Variant type: single nucleotide variant.
Coding change: c.4309G>A on transcript NM_207361.6 (MANE Select); coding-DNA position 4309, G replaced by A.
Protein change: p.Val1437Ile; replaces valine 1437 with isoleucine.
Molecular consequence: missense variant.
Genome position (GRCh38, 1-based): chr13:38,691,653, G>A. VCF-style: chr13-38691653-G-A. GRCh37 (hg19) VCF-style: chr13-39265790-G-A.
Other names: short protein forms V1437I.
Identifiers: ClinVar variation 883420 (VCV000883420.5), dbSNP rs1341655192, ClinGen allele CA387892861.
Genomic context (GRCh38, chr13:38,691,653, plus strand): 5'-ATTGACATTGTCTTCCCTGATGTGATAAGTAAGGGAGTGTCCTTGAAAGAAGGTGGCAAA[G>A]TCACTCTTACAACAGACCTACTAAGCACTAGTGACTTGAACAGTCCTGATGAAAACTTGG-3'
Protein context (NP_997244.4, residues 1427-1447): KGVSLKEGGK[Val1437Ile]TLTTDLLSTS